The following is an entry in ClinVar:

ClinVar aggregate classification (germline): Uncertain significance. Review status: criteria provided, multiple submitters, no conflicts (2 of 4 stars). 3 submissions from 3 submitters: Uncertain significance (3). Last evaluated 2025-01-08.

Conditions:
CDH23-related disorder. Also called: CDH23-related condition; CDH23-related disorders.

Allele frequency attached by ClinVar (database versions not stated): TOPMed below 0.00001; gnomAD 0.00001; ESP Exome Variant Server 0.00008.
gnomAD v4.1: 42 of 1,613,498 alleles (0.0026%); highest among the groups gnomAD compares: South Asian, 0.037%; no homozygotes.

Submissions (3):

PreventionGenetics, part of Exact Sciences
Classification: Uncertain significance for CDH23-related condition. Last evaluated: 2025-01-08. Review status: criteria provided, single submitter. Criteria: ACMG Guidelines, 2015. Collection method: clinical testing. Allele origin: germline.
Comment: The CDH23 c.9077G>A variant is predicted to result in the amino acid substitution p.Arg3026Gln. To our knowledge, this variant has not been reported in the literature. This variant is reported in 0.046% of alleles in individuals of South Asian descent in gnomAD. At this time, the clinical significance of this variant is uncertain due to the absence of conclusive functional and genetic evidence.

Blueprint Genetics
Classification: Uncertain significance. Last evaluated: 2024-05-29. Review status: criteria provided, single submitter. Criteria: ACMG Guidelines, 2015. Collection method: clinical testing. Allele origin: germline.

Labcorp Genetics (formerly Invitae), Labcorp
Classification: Uncertain significance. Last evaluated: 2021-09-01. Review status: criteria provided, single submitter. Criteria: Invitae Variant Classification Sherloc (09022015). Collection method: clinical testing. Allele origin: germline.
Comment: This sequence change replaces arginine with glutamine at codon 3026 of the CDH23 protein (p.Arg3026Gln). The arginine residue is highly conserved and there is a small physicochemical difference between arginine and glutamine. This variant is present in population databases (rs372632103, ExAC 0.05%). This variant has not been reported in the literature in individuals affected with CDH23-related conditions. Algorithms developed to predict the effect of missense changes on protein structure and function are either unavailable or do not agree on the potential impact of this missense change (SIFT: "Deleterious"; PolyPhen-2: "Not Available"; Align-GVGD: "Class C0"). Algorithms developed to predict the effect of sequence changes on RNA splicing suggest that this variant may disrupt the consensus splice site. In summary, the available evidence is currently insufficient to determine the role of this variant in disease. Therefore, it has been classified as a Variant of Uncertain Significance.

NM_022124.6(CDH23):c.9077G>A (p.Arg3026Gln)

Gene: CDH23 (cadherin related 23; plus strand). Cytogenetic location: 10q22.1.
Variant type: single nucleotide variant.
Coding change: c.9077G>A on transcript NM_022124.6 (MANE Select); coding-DNA position 9077, G replaced by A.
Protein change: p.Arg3026Gln; replaces arginine 3026 with glutamine.
Molecular consequence: missense variant.
Genome position (GRCh38, 1-based): chr10:71,810,569, G>A. VCF-style: chr10-71810569-G-A. GRCh37 (hg19) VCF-style: chr10-73570326-G-A.
Other names: c.2357G>A, p.Arg786Gln (NM_001171933.1, NM_001171934.1); c.9077G>A (NM_022124.5); short protein forms R786Q, R3026Q.
Identifiers: ClinVar variation 2067069 (VCV002067069.3), dbSNP rs372632103, ClinGen allele CA5546855.